The following is an entry in ClinVar:

NM_004523.4(KIF11):c.2922+4A>C

Gene: KIF11 (kinesin family member 11; plus strand). Cytogenetic location: 10q23.33.
Variant type: single nucleotide variant.
Coding change: c.2922+4A>C on transcript NM_004523.4 (MANE Select); 4 bases into the intron after coding-DNA position 2922, A replaced by C.
Molecular consequence: intron variant.
Genome position (GRCh38, 1-based): chr10:92,649,990, A>C. VCF-style: chr10-92649990-A-C. GRCh37 (hg19) VCF-style: chr10-94409747-A-C.
Other names: c.2922+4A>C (NM_004523.3).
Identifiers: ClinVar variation 1003840 (VCV001003840.8), dbSNP rs775858823, ClinGen allele CA5604495.

ClinVar aggregate classification (germline): Conflicting classifications of pathogenicity. Review status: criteria provided, conflicting classifications (1 of 4 stars). 3 submissions from 3 submitters: Uncertain significance (1); Likely benign (2). Last evaluated 2025-01-25.

Conditions:
KIF11-related disorder. Also called: KIF11-related condition.

Allele frequency attached by ClinVar (database versions not stated): gnomAD 0.00005; TOPMed 0.00008.
gnomAD v4.1: 21 of 1,599,948 alleles (0.0013%); highest among the groups gnomAD compares: African/African-American, 0.016%; no homozygotes.

Submissions (3):

PreventionGenetics, part of Exact Sciences
Classification: Likely benign for KIF11-related condition. Last evaluated: 2025-01-25. Review status: criteria provided, single submitter. Criteria: ACMG Guidelines, 2015. Collection method: clinical testing. Allele origin: germline.
Comment: This variant is classified as likely benign based on ACMG/AMP sequence variant interpretation guidelines (Richards et al. 2015 PMID: 25741868, with internal and published modifications).

Labcorp Genetics (formerly Invitae), Labcorp
Classification: Uncertain significance. Last evaluated: 2022-09-27. Review status: criteria provided, single submitter. Criteria: Invitae Variant Classification Sherloc (09022015). Collection method: clinical testing. Allele origin: germline.
Comment: In summary, the available evidence is currently insufficient to determine the role of this variant in disease. Therefore, it has been classified as a Variant of Uncertain Significance. Variants that disrupt the consensus splice site are a relatively common cause of aberrant splicing (PMID: 17576681, 9536098). Algorithms developed to predict the effect of sequence changes on RNA splicing suggest that this variant is not likely to affect RNA splicing. ClinVar contains an entry for this variant (Variation ID: 1003840). This variant has not been reported in the literature in individuals affected with KIF11-related conditions. This variant is present in population databases (rs775858823, gnomAD 0.01%). This sequence change falls in intron 20 of the KIF11 gene. It does not directly change the encoded amino acid sequence of the KIF11 protein. It affects a nucleotide within the consensus splice site.

Blueprint Genetics
Classification: Likely benign. Last evaluated: 2022-04-19. Review status: criteria provided, single submitter. Criteria: ACMG Guidelines, 2015. Collection method: clinical testing. Allele origin: germline.

Literature cited by the submitters: PubMed 17576681 (cited by Labcorp Genetics (formerly Invitae), Labcorp); PubMed 9536098 (cited by Labcorp Genetics (formerly Invitae), Labcorp).